The following is an entry in ClinVar:

ClinVar aggregate classification (germline): Uncertain significance. Review status: criteria provided, multiple submitters, no conflicts (2 of 4 stars). 2 submissions from 2 submitters: Uncertain significance (2). Last evaluated 2022-03-15.

Allele frequency attached by ClinVar (database versions not stated): TOPMed 0.00001.
gnomAD v4.1: 19 of 1,600,996 alleles (0.0012%); highest among the groups gnomAD compares: Admixed American, 0.0051%; no homozygotes.

Submissions (2):

Labcorp Genetics (formerly Invitae), Labcorp
Classification: Uncertain significance. Last evaluated: 2022-03-15. Review status: criteria provided, single submitter. Criteria: Invitae Variant Classification Sherloc (09022015). Collection method: clinical testing. Allele origin: germline.
Comment: This sequence change replaces arginine, which is basic and polar, with tryptophan, which is neutral and slightly polar, at codon 400 of the ARHGEF18 protein (p.Arg400Trp). This variant is present in population databases (rs762390589, gnomAD 0.01%). This variant has not been reported in the literature in individuals affected with ARHGEF18-related conditions. ClinVar contains an entry for this variant (Variation ID: 1044666). Algorithms developed to predict the effect of missense changes on protein structure and function are either unavailable or do not agree on the potential impact of this missense change (SIFT: "Deleterious"; PolyPhen-2: "Probably Damaging"; Align-GVGD: "Class C0"). In summary, the available evidence is currently insufficient to determine the role of this variant in disease. Therefore, it has been classified as a Variant of Uncertain Significance.

Blueprint Genetics
Classification: Uncertain significance. Last evaluated: 2021-11-19. Review status: criteria provided, single submitter. Criteria: ACMG Guidelines, 2015. Collection method: clinical testing. Allele origin: germline.

NM_001367823.1(ARHGEF18):c.1762C>T (p.Arg588Trp)

Gene: ARHGEF18 (Rho/Rac guanine nucleotide exchange factor 18; plus strand). Cytogenetic location: 19p13.2.
Variant type: single nucleotide variant.
Coding change: c.1762C>T on transcript NM_001367823.1 (MANE Select); coding-DNA position 1762, C replaced by T.
Protein change: p.Arg588Trp; replaces arginine 588 with tryptophan.
Molecular consequence: missense variant.
Genome position (GRCh38, 1-based): chr19:7,451,173, C>T. VCF-style: chr19-7451173-C-T. GRCh37 (hg19) VCF-style: chr19-7516059-C-T.
Other names: c.1036C>T, p.Arg346Trp (NM_001130955.2); c.724C>T, p.Arg242Trp (NM_001367824.1, NM_015318.4); short protein forms R588W, R242W, R346W.
Identifiers: ClinVar variation 1044666 (VCV001044666.8), dbSNP rs762390589, ClinGen allele CA9136602.